The following is an entry in ClinVar:

ClinVar aggregate classification (germline): Pathogenic (1 of 4 stars; one submission).

Submission:

GeneDx
Classification: Pathogenic. Last evaluated: 2016-05-10. Review status: criteria provided, single submitter. Criteria: GeneDx Variant Classification (06012015). Collection method: clinical testing. Allele origin: germline. Affected: yes.
Comment: The c.5943delC pathogenic variant in the NSD1 gene causes a frameshift starting with codon Cysteine 1981 andchanges this amino acid to a premature Stop codon, denoted p.Cys1981Ter. This pathogenic variant is predicted tocause loss of normal protein function either through protein truncation or nonsense-mediated mRNA decay.

NM_022455.5(NSD1):c.5943del (p.Glu1980_Cys1981insTer)

Gene: NSD1 (nuclear receptor binding SET domain protein 1; plus strand). Cytogenetic location: 5q35.3.
Variant type: Deletion.
Coding change: c.5943del on transcript NM_022455.5 (MANE Select); coding-DNA position 5943, one base deleted (C; older notation c.5943delC).
Protein change: p.Glu1980_Cys1981insTer.
Molecular consequence: nonsense. On other transcripts: frameshift variant (11).
Genome position (GRCh38, 1-based): chr5:177,282,515, C deleted. VCF-style (leftmost placement, unchanged base first): chr5-177282514-GC-G. GRCh37 (hg19) VCF-style: chr5-176709515-GC-G.
Other names: c.5070delC, p.Cys1690Terfs (NM_001365684.2, NM_001409308.1, NM_001409309.1 and 1 more transcripts); c.5943delC, p.Cys1981Terfs (NM_001409301.1, NM_001409302.1, NM_001409303.1); c.5523delC, p.Cys1841Terfs (NM_001409304.1); c.5190delC, p.Cys1730Terfs (NM_001409305.1); c.5181delC, p.Cys1727Terfs (NM_001409306.1, NM_001409307.1).
Identifiers: ClinVar variation 280548 (VCV000280548.2), dbSNP rs886041734, ClinGen allele CA10602954.
Genomic context (GRCh38, chr5:177,282,514, plus strand): 5'-TCTTGTTCTAGGGTGAATTTGTGAATGAGTATGTGGGTGAGCTTATAGATGAAGAAGAAT[GC>G]AGAGCTCGAATTCGCTATGCTCAAGAACATGATATCACTAATTTCTATATGCTCACCCTA-3'